The following is an entry in ClinVar:

ClinVar aggregate classification (germline): Uncertain significance. Review status: criteria provided, multiple submitters, no conflicts (2 of 4 stars). 2 submissions from 2 submitters: Uncertain significance (2). Last evaluated 2026-04-30.

Conditions:
Inborn genetic diseases. Identifiers: MedGen C0950123, MeSH D030342.
Autosomal dominant nonsyndromic hearing loss 65. Also called: Deafness, autosomal dominant 65; TBC1D24-Related Autosomal Dominant Nonsyndromic Hearing Loss (DFNA). Identifiers: Orphanet 90635, MedGen C3892048, MONDO:0014470, OMIM 616044.
Developmental and epileptic encephalopathy, 1 (DEE1). Also called: INFANTILE SPASM SYNDROME, X-LINKED 1; X-linked infantile spasms; West's syndrome; Tonic spasms with clustering, arrest of psychomotor development and hypsarrhythmia on EEG; X-Linked Infantile Spasm Syndrome; OHTAHARA SYNDROME, X-LINKED. Identifiers: MedGen C3463992, MONDO:0010632, OMIM 308350. Disease mechanism: loss of function.

gnomAD v4.1: 3 of 1,609,032 alleles (0.00019%); highest among the groups gnomAD compares: Admixed American, 0.0017%; no homozygotes.

Submissions (2):

Ambry Genetics
Classification: Uncertain significance for Inborn genetic diseases. Last evaluated: 2026-04-30. Review status: criteria provided, single submitter. Criteria: Ambry Variant Classification Scheme 2023. Collection method: clinical testing. Allele origin: germline.

Labcorp Genetics (formerly Invitae), Labcorp
Classification: Uncertain significance for Developmental and epileptic encephalopathy, 1; Autosomal dominant nonsyndromic hearing loss 65. Last evaluated: 2025-06-04. Review status: criteria provided, single submitter. Criteria: Invitae Variant Classification Sherloc (09022015). Collection method: clinical testing. Allele origin: germline.
Comment: This sequence change replaces leucine, which is neutral and non-polar, with valine, which is neutral and non-polar, at codon 142 of the TBC1D24 protein (p.Leu142Val). This variant is present in population databases (no rsID available, gnomAD 0.1%). This variant has not been reported in the literature in individuals affected with TBC1D24-related conditions. Invitae Evidence Modeling of protein sequence and biophysical properties (such as structural, functional, and spatial information, amino acid conservation, physicochemical variation, residue mobility, and thermodynamic stability) indicates that this missense variant is expected to disrupt TBC1D24 protein function with a positive predictive value of 95%. In summary, the available evidence is currently insufficient to determine the role of this variant in disease. Therefore, it has been classified as a Variant of Uncertain Significance.

NM_001199107.2(TBC1D24):c.424C>G (p.Leu142Val)

Gene: TBC1D24 (TBC1 domain family member 24; plus strand). Cytogenetic location: 16p13.3.
Variant type: single nucleotide variant.
Coding change: c.424C>G on transcript NM_001199107.2 (MANE Select); coding-DNA position 424, C replaced by G.
Protein change: p.Leu142Val; replaces leucine 142 with valine.
Molecular consequence: missense variant.
Genome position (GRCh38, 1-based): chr16:2,496,572, C>G. VCF-style: chr16-2496572-C-G. GRCh37 (hg19) VCF-style: chr16-2546573-C-G.
Other names: c.424C>G, p.Leu142Val (NM_020705.3); c.424C>G (NM_001199107.1); short protein forms L142V.
Identifiers: ClinVar variation 4812439 (VCV004812439.2).